The following is an entry in ClinVar:

ClinVar aggregate classification (germline): Pathogenic (0 of 4 stars; one submission).

Conditions:
Bietti crystalline corneoretinal dystrophy (BCD). Also called: Bietti Crystalline Dystrophy; BIETTI TAPETORETINAL DEGENERATION WITH MARGINAL CORNEAL DYSTROPHY. Identifiers: Orphanet 41751, MedGen C1859486, MONDO:0008865, OMIM 210370.

Submission:

GeneReviews
Classification: Pathogenic for Bietti Crystalline Dystrophy. Last evaluated: 2012-04-12. Review status: no assertion criteria provided. Collection method: curation. Allele origin: unknown.
ClinVar note: Converted during submission from pathologic to Pathogenic.

NM_207352.4(CYP4V2):c.335T>G (p.Leu112Ter)

Gene: CYP4V2 (cytochrome P450 family 4 subfamily V member 2; plus strand). Cytogenetic location: 4q35.1.
Variant type: single nucleotide variant.
Coding change: c.335T>G on transcript NM_207352.4 (MANE Select); coding-DNA position 335, T replaced by G.
Protein change: p.Leu112Ter; replaces leucine 112 with a stop codon.
Molecular consequence: nonsense.
Genome position (GRCh38, 1-based): chr4:186,196,010, T>G. VCF-style: chr4-186196010-T-G. GRCh37 (hg19) VCF-style: chr4-187117164-T-G.
Other names: c.639T>G; short protein forms L112*.
Identifiers: ClinVar variation 39263 (VCV000039263.3), dbSNP rs199476188, ClinGen allele CA343729.
Genomic context (GRCh38, chr4:186,196,010, plus strand): 5'-GGAAGGTTGTTTGATGTCTGTATGTCTCTAAAGTATGTTTTTCTCTTCCTAAGGTAATTT[T>G]AACTAGTTCAAAGCAAATTGACAAATCCTCTATGTACAAGTTTTTAGAACCATGGCTTGG-3'